The following is an entry in ClinVar:

ClinVar aggregate classification (germline): Likely benign. Review status: criteria provided, multiple submitters, no conflicts (2 of 4 stars). 3 submissions from 3 submitters: Likely benign (3). Last evaluated 2025-11-06.

Conditions:
Neuronopathy, distal hereditary motor, autosomal recessive 4. Also called: NEUROPATHY, DISTAL HEREDITARY MOTOR, AUTOSOMAL RECESSIVE 4; Autosomal recessive lower motor neuron disease with childhood onset. Identifiers: Orphanet 206580, MedGen C1970211, MONDO:0012608, OMIM 611067.
Charcot-Marie-Tooth disease recessive intermediate C. Also called: CHARCOT-MARIE-TOOTH NEUROPATHY, RECESSIVE INTERMEDIATE C. Identifiers: Orphanet 369867, MedGen C3809309, MONDO:0014154, OMIM 615376.

Allele frequency attached by ClinVar (database versions not stated): ESP Exome Variant Server 0.00008; TOPMed 0.00025; 1000 Genomes Project 0.00080; 1000 Genomes Project 30x 0.00094.
gnomAD v4.1: 170 of 1,612,918 alleles (0.011%); highest among the groups gnomAD compares: Admixed American, 0.15%; 2 homozygotes.

Submissions (3):

Labcorp Genetics (formerly Invitae), Labcorp
Classification: Likely benign for Neuronopathy, distal hereditary motor, autosomal recessive 4; Charcot-Marie-Tooth disease recessive intermediate C. Last evaluated: 2025-11-06. Review status: criteria provided, single submitter. Criteria: Invitae Variant Classification Sherloc (09022015). Collection method: clinical testing. Allele origin: germline.

Blueprint Genetics
Classification: Likely benign. Last evaluated: 2024-06-07. Review status: criteria provided, single submitter. Criteria: ACMG Guidelines, 2015. Collection method: clinical testing. Allele origin: germline.

GeneDx
Classification: Likely benign. Last evaluated: 2017-08-24. Review status: criteria provided, single submitter. Criteria: GeneDx Variant Classification (06012015). Collection method: clinical testing. Allele origin: germline. Affected: yes.
Comment: This variant is considered likely benign or benign based on one or more of the following criteria: it is a conservative change, it occurs at a poorly conserved position in the protein, it is predicted to be benign by multiple in silico algorithms, and/or has population frequency not consistent with disease.

NM_020631.6(PLEKHG5):c.440-17G>A

Gene: PLEKHG5 (pleckstrin homology and RhoGEF domain containing G5; minus strand). Cytogenetic location: 1p36.31.
Variant type: single nucleotide variant.
Coding change: c.440-17G>A on transcript NM_020631.6 (MANE Select); 17 bases into the intron before coding-DNA position 440, G replaced by A.
Molecular consequence: intron variant.
Genome position (GRCh38, 1-based): chr1:6,474,181, C>T on the plus strand (G>A on the coding strand, the complement: PLEKHG5 is on the minus strand). VCF-style: chr1-6474181-C-T. GRCh37 (hg19) VCF-style: chr1-6534241-C-T.
Other names: c.440-17G>A (NM_198681.4, NM_001265594.3, NM_001042664.2 and 1 more transcripts); c.551-17G>A (NM_001042663.3, NM_001265592.2); c.647-17G>A (NM_001265593.2).
Identifiers: ClinVar variation 511678 (VCV000511678.17), dbSNP rs200894921, ClinGen allele CA561848.